The following is an entry in ClinVar:

NM_017780.4(CHD7):c.7018T>C (p.Phe2340Leu)

Gene: CHD7 (chromodomain helicase DNA binding protein 7; plus strand). Cytogenetic location: 8q12.2.
Variant type: single nucleotide variant.
Coding change: c.7018T>C on transcript NM_017780.4 (MANE Select); coding-DNA position 7018, T replaced by C.
Protein change: p.Phe2340Leu; replaces phenylalanine 2340 with leucine.
Molecular consequence: missense variant. On other transcripts: intron variant (1).
Genome position (GRCh38, 1-based): chr8:60,856,056, T>C. VCF-style: chr8-60856056-T-C. GRCh37 (hg19) VCF-style: chr8-61768615-T-C.
Other names: c.1717-6173T>C (NM_001316690.1); short protein forms F2340L.
Identifiers: ClinVar variation 589230 (VCV000589230.15), dbSNP rs766773531, ClinGen allele CA4760725.

ClinVar aggregate classification (germline): Conflicting classifications of pathogenicity. Review status: criteria provided, conflicting classifications (1 of 4 stars). 3 submissions from 3 submitters: Uncertain significance (2); Benign (1). Last evaluated 2024-10-19.

Conditions:
Inborn genetic diseases. Identifiers: MedGen C0950123, MeSH D030342.
CHARGE syndrome (CHARGE). Also called: Coloboma, heart anomaly, choanal atresia, retardation, genital and ear anomalies; CHARGE association; Hall-Hittner syndrome; Hittner Hirsch Kreh syndrome; CHARGE ASSOCIATION--COLOBOMA, HEART ANOMALY, CHOANAL ATRESIA, RETARDATION, GENITAL AND EAR ANOMALIES. Identifiers: Orphanet 138, MedGen C0265354, MONDO:0008965.
Hypogonadotropic hypogonadism 5 with or without anosmia (KAL5). Also called: HYPOGONADOTROPIC HYPOGONADISM 5 WITH ANOSMIA; HYPOGONADOTROPHIC HYPOGONADISM 5 WITHOUT ANOSMIA; CHD7-Related GnRH Deficiency (Kallmann Syndrome 5). Identifiers: Orphanet 478, MedGen C3552553, MONDO:0012880, OMIM 612370. Disease mechanism: loss of function.

Allele frequency attached by ClinVar (database versions not stated): TOPMed below 0.00001; gnomAD exomes 0.00001; ExAC 0.00002.
gnomAD v4.1: 3 of 1,611,662 alleles (0.00019%); highest among the groups gnomAD compares: Admixed American, 0.005%; no homozygotes.

Submissions (3):

Labcorp Genetics (formerly Invitae), Labcorp
Classification: Benign for CHARGE syndrome. Last evaluated: 2024-10-19. Review status: criteria provided, single submitter. Criteria: Invitae Variant Classification Sherloc (09022015). Collection method: clinical testing. Allele origin: germline.

Fulgent Genetics
Classification: Uncertain significance for CHD7-related CHARGE syndrome; Hypogonadotropic hypogonadism 5 with or without anosmia. Last evaluated: 2024-02-04. Review status: criteria provided, single submitter. Criteria: ACMG Guidelines, 2015. Collection method: clinical testing. Allele origin: germline.

Ambry Genetics
Classification: Uncertain significance for Inborn genetic diseases. Last evaluated: 2017-05-31. Review status: criteria provided, single submitter. Criteria: Ambry Variant Classification Scheme 2023. Collection method: clinical testing. Allele origin: germline.
Comment: The p.F2340L variant (also known as c.7018T>C), located in coding exon 32 of the CHD7 gene, results from a T to C substitution at nucleotide position 7018. The phenylalanine at codon 2340 is replaced by leucine, an amino acid with highly similar properties. This amino acid position is well conserved in available vertebrate species; however, leucine is the reference amino acid in other vertebrate species. In addition, the in silico prediction for this alteration is inconclusive. Since supporting evidence is limited at this time, the clinical significance of this alteration remains unclear.